The following is an entry in ClinVar:

NM_004629.2(FANCG):c.1588G>C (p.Asp530His)

Gene: FANCG (FA complementation group G; minus strand). Cytogenetic location: 9p13.3.
Variant type: single nucleotide variant.
Coding change: c.1588G>C on transcript NM_004629.2 (MANE Select); coding-DNA position 1588, G replaced by C.
Protein change: p.Asp530His; replaces aspartic acid 530 with histidine.
Molecular consequence: missense variant.
Genome position (GRCh38, 1-based): chr9:35,074,975, C>G on the plus strand (G>C on the coding strand, the complement: FANCG is on the minus strand). VCF-style: chr9-35074975-C-G. GRCh37 (hg19) VCF-style: chr9-35074972-C-G.
Other names: short protein forms D530H.
Identifiers: ClinVar variation 3512860 (VCV003512860.1).

ClinVar aggregate classification (germline): Uncertain significance (1 of 4 stars; one submission).

Conditions:
Inborn genetic diseases. Identifiers: MedGen C0950123, MeSH D030342.

gnomAD v4.1: 1 of 1,614,198 alleles (0.000062%); highest among the groups gnomAD compares: South Asian, 0.0011%; no homozygotes.

Submission:

Ambry Genetics
Classification: Uncertain significance for Inborn genetic diseases. Last evaluated: 2024-12-04. Review status: criteria provided, single submitter. Criteria: Ambry Variant Classification Scheme 2023. Collection method: clinical testing. Allele origin: germline.
Comment: The p.D530H variant (also known as c.1588G>C), located in coding exon 12 of the FANCG gene, results from a G to C substitution at nucleotide position 1588. The aspartic acid at codon 530 is replaced by histidine, an amino acid with similar properties. This amino acid position is conserved. In addition, this alteration is predicted to be tolerated by in silico analysis. Based on the available evidence, the clinical significance of this variant remains unclear.